The following is an entry in ClinVar:

ClinVar aggregate classification (germline): Benign/Likely benign. Review status: criteria provided, multiple submitters, no conflicts (2 of 4 stars). 2 submissions from 2 submitters: Benign (1); Likely benign (1). Last evaluated 2023-11-27.

Conditions:
Hypoparathyroidism-retardation-dysmorphism syndrome (HRDS). Also called: SANJAD-SAKATI SYNDROME. Identifiers: Orphanet 2323, MedGen C1855840, MONDO:0009426, OMIM 241410.

Allele frequency attached by ClinVar (database versions not stated): 1000 Genomes Project 0.00120; gnomAD exomes 0.00447 and 0.18304; gnomAD 0.03040 and 0.03115; ExAC 0.17921.
gnomAD v4.1: 1,811 of 10,648 alleles (17%); highest among the groups gnomAD compares: Non-Finnish European, 20%; 2 homozygotes.

Submissions (2):

Labcorp Genetics (formerly Invitae), Labcorp
Classification: Likely benign. Last evaluated: 2023-11-27. Review status: criteria provided, single submitter. Criteria: Invitae Variant Classification Sherloc (09022015). Collection method: clinical testing. Allele origin: germline.

Illumina Laboratory Services, Illumina
Classification: Benign for Hypoparathyroidism-retardation-dysmorphism syndrome. Last evaluated: 2018-01-12. Review status: criteria provided, single submitter. Criteria: ICSL Variant Classification Criteria 13 December 2019. Collection method: clinical testing. Allele origin: germline.
Comment: This variant was observed in the ICSL laboratory as part of a predisposition screen in an ostensibly healthy population. It had not been previously curated by ICSL or reported in the Human Gene Mutation Database (HGMD: prior to June 1st, 2018), and was therefore a candidate for classification through an automated scoring system. Utilizing variant allele frequency, disease prevalence and penetrance estimates, and inheritance mode, an automated score was calculated to assess if this variant is too frequent to cause the disease. Based on the score and internal cut-off values, a variant classified as benign is not then subjected to further curation. The score for this variant resulted in a classification of benign for this disease.

NM_003193.5(TBCE):c.100+13T>G

Gene: TBCE (tubulin folding cofactor E; plus strand). Cytogenetic location: 1q42.3.
Variant type: single nucleotide variant.
Coding change: c.100+13T>G on transcript NM_003193.5 (MANE Select); 13 bases into the intron after coding-DNA position 100, T replaced by G.
Molecular consequence: intron variant.
Genome position (GRCh38, 1-based): chr1:235,380,162, T>G. VCF-style: chr1-235380162-T-G. GRCh37 (hg19) VCF-style: chr1-235543477-T-G.
Other names: c.100+13T>G (NM_001079515.3, NM_001287801.2); c.-211+13T>G (NM_001287802.2).
Identifiers: ClinVar variation 296292 (VCV000296292.10), dbSNP rs199696216, ClinGen allele CA1463904.